The following is an entry in ClinVar:

NM_006495.4(EVI2B):c.643A>G (p.Met215Val)

Genes: EVI2B (ecotropic viral integration site 2B; minus strand), NF1 (neurofibromin 1; plus strand). Cytogenetic location: 17q11.2.
Variant type: single nucleotide variant.
Coding change: c.643A>G on transcript NM_006495.4 (MANE Select); coding-DNA position 643, A replaced by G.
Protein change: p.Met215Val; replaces methionine 215 with valine.
Molecular consequence: missense variant. On other transcripts: intron variant (2).
Genome position (GRCh38, 1-based): chr17:31,304,967, T>C on the plus strand (A>G on the coding strand, the complement: EVI2B is on the minus strand). VCF-style: chr17-31304967-T-C. GRCh37 (hg19) VCF-style: chr17-29631985-T-C.
Other names: c.4836-20853T>C (NM_001042492.3); c.4773-20853T>C (NM_000267.4); short protein forms M215V.
Identifiers: ClinVar variation 2366525 (VCV002366525.26), dbSNP rs150356636, ClinGen allele CA8486766.

ClinVar aggregate classification (germline): Conflicting classifications of pathogenicity. Review status: criteria provided, conflicting classifications (1 of 4 stars). 2 submissions from 2 submitters: Uncertain significance (1); Likely benign (1). Last evaluated 2022-12-01.

Allele frequency attached by ClinVar (database versions not stated): ESP Exome Variant Server 0.00015; ExAC 0.00021; gnomAD 0.00022; TOPMed 0.00029; gnomAD exomes 0.00049.
gnomAD v4.1: 771 of 1,614,008 alleles (0.048%); highest among the groups gnomAD compares: Non-Finnish European, 0.059%; no homozygotes.

Submissions (2):

CeGaT Center for Human Genetics Tuebingen
Classification: Likely benign. Last evaluated: 2022-12-01. Review status: criteria provided, single submitter. Criteria: CeGaT Center For Human Genetics Tuebingen Variant Classification Criteria Version 2. Collection method: clinical testing. Allele origin: germline. Affected: yes. Observed: 1 variant allele.
Comment: EVI2B: BP4

Ambry Genetics
Classification: Uncertain significance. Last evaluated: 2021-06-11. Review status: criteria provided, single submitter. Criteria: Ambry Variant Classification Scheme 2023. Collection method: clinical testing. Allele origin: germline.